The following is an entry in ClinVar:

NM_001046.3(SLC12A2):c.2930-2A>T

Gene: SLC12A2 (solute carrier family 12 member 2; plus strand). Cytogenetic location: 5q23.3.
Variant type: single nucleotide variant.
Coding change: c.2930-2A>T on transcript NM_001046.3 (MANE Select); the canonical splice acceptor site of the intron before coding-DNA position 2930, A replaced by T.
Molecular consequence: splice acceptor variant. On other transcripts: intron variant (1).
Genome position (GRCh38, 1-based): chr5:128,177,103, A>T. VCF-style: chr5-128177103-A-T. GRCh37 (hg19) VCF-style: chr5-127512795-A-T.
Other names: c.2930-1464A>T (NM_001256461.2).
Identifiers: ClinVar variation 4890864 (VCV004890864.1).
Genomic context (GRCh38, chr5:128,177,103, plus strand): 5'-TTTATTATTTTATTAATATAAAGGCAATTAACATATTTTTGTGTTTTTTAAACATAATCT[A>T]GTTGAGGAAGAGGATGGCAAGACTGCAACTCAACCACTGTTGAAAAAAGGCAGGCATTTT-3'

ClinVar aggregate classification (germline): Likely pathogenic (1 of 4 stars; one submission).

Conditions:
Hearing impairment. Also called: Impaired Hearing. Identifiers: MedGen C1384666, MONDO:0005365, HP:0000365.

Submission:

Clinical Genetics Laboratory, Skane University Hospital Lund
Classification: Likely pathogenic for Hearing impairment. Last evaluated: 2026-06-23. Review status: criteria provided, single submitter. Criteria: ACMG Guidelines, 2015. Collection method: clinical testing. Allele origin: de novo. Affected: yes.
Comment: SLC12A2 (NM_001046.3) c.2930-2A>T, p.? involves a nucleotide substitution in the splice-acceptor site in intron 20 which leads to probable exon skipping of exon 21 of 27. SLC12A2 c.2930-2A>T has not been detected in the normal population and has not been previously described in ClinVar. Another nucleotide change in the same acceptor site (c.2930-2A>G) is reported in ClinVar (Accession: VCV000804308.4) as pathogenic, but is classified by us as likely pathogenic. The variant relevant to the patient has been classified as likely pathogenic with the following ACMG criteria: PVS1_Moderate, PS2_Moderate, PM2.